The following is an entry in ClinVar:

NM_000051.4(ATM):c.4667A>G (p.Tyr1556Cys)

Gene: ATM (ATM serine/threonine kinase; plus strand). Cytogenetic location: 11q22.3.
Variant type: single nucleotide variant.
Coding change: c.4667A>G on transcript NM_000051.4 (MANE Select); coding-DNA position 4667, A replaced by G.
Protein change: p.Tyr1556Cys; replaces tyrosine 1556 with cysteine.
Molecular consequence: missense variant.
Genome position (GRCh38, 1-based): chr11:108,293,368, A>G. VCF-style: chr11-108293368-A-G. GRCh37 (hg19) VCF-style: chr11-108164095-A-G.
Other names: c.4667A>G, p.Tyr1556Cys (NM_001351834.2); short protein forms Y1556C.
Identifiers: ClinVar variation 141825 (VCV000141825.32), dbSNP rs587782037, ClinGen allele CA166536.

ClinVar aggregate classification (germline): Uncertain significance. Review status: criteria provided, multiple submitters, no conflicts (2 of 4 stars). 9 submissions from 9 submitters: Uncertain significance (7). 2 of the submissions do not count toward it. Last evaluated 2025-12-24.

Conditions:
Hereditary cancer-predisposing syndrome. Also called: Neoplastic Syndromes, Hereditary; Hereditary Cancer Syndrome; Hereditary neoplastic syndrome; Tumor predisposition. Identifiers: Orphanet 140162, MedGen C0027672, MeSH D009386, MONDO:0015356.
Familial cancer of breast. Also called: Hereditary breast cancer; hereditary breast carcinoma; BREAST CANCER, FAMILIAL. Identifiers: Orphanet 227535, MedGen C0346153, MONDO:0016419, OMIM 114480. Disease mechanism: loss of function.
Ataxia-telangiectasia syndrome (AT). Also called: Cerebello-oculocutaneous telangiectasia; Immunodeficiency with ataxia telangiectasia; Ataxia-telangiectasia, complementation group D; AT, COMPLEMENTATION GROUP C; ATAXIA-TELANGIECTASIA, FRESNO VARIANT; ATAXIA-TELANGIECTASIA, COMPLEMENTATION GROUP A. Identifiers: Orphanet 100, MedGen C0004135, MONDO:0008840, OMIM 208900.

Allele frequency attached by ClinVar (database versions not stated): ExAC 0.00001; gnomAD 0.00001 and 0.00002.

Submissions (9):

Labcorp Genetics (formerly Invitae), Labcorp
Classification: Uncertain significance for Ataxia-telangiectasia syndrome. Last evaluated: 2025-12-24. Review status: criteria provided, single submitter. Criteria: Invitae Variant Classification Sherloc (09022015). Collection method: clinical testing. Allele origin: germline.
Comment: This sequence change replaces tyrosine, which is neutral and polar, with cysteine, which is neutral and slightly polar, at codon 1556 of the ATM protein (p.Tyr1556Cys). This variant is present in population databases (rs587782037, gnomAD 0.002%). This variant has not been reported in the literature in individuals affected with ATM-related conditions. ClinVar contains an entry for this variant (Variation ID: 141825). Invitae Evidence Modeling of protein sequence and biophysical properties (such as structural, functional, and spatial information, amino acid conservation, physicochemical variation, residue mobility, and thermodynamic stability) indicates that this missense variant is not expected to disrupt ATM protein function with a negative predictive value of 95%. In summary, the available evidence is currently insufficient to determine the role of this variant in disease. Therefore, it has been classified as a Variant of Uncertain Significance.

GeneDx
Classification: Uncertain significance. Last evaluated: 2025-05-22. Review status: criteria provided, single submitter. Criteria: GeneDx Variant Classification Process June 2021. Collection method: clinical testing. Allele origin: germline. Affected: yes.
Comment: Observed in a patient with breast cancer (PMID: 26689913); In silico analysis supports that this missense variant has a deleterious effect on protein structure/function; Not observed at significant frequency in large population cohorts (gnomAD); This variant is associated with the following publications: (PMID: 36243179, 26689913)

Ambry Genetics
Classification: Uncertain significance for Hereditary cancer-predisposing syndrome. Last evaluated: 2025-01-21. Review status: criteria provided, single submitter. Criteria: Ambry Variant Classification Scheme 2023. Collection method: clinical testing. Allele origin: germline.
Comment: The p.Y1556C variant (also known as c.4667A>G), located in coding exon 30 of the ATM gene, results from an A to G substitution at nucleotide position 4667. The tyrosine at codon 1556 is replaced by cysteine, an amino acid with highly dissimilar properties. This amino acid position is well conserved in available vertebrate species. In addition, this alteration is predicted to be tolerated by in silico analysis. Based on the available evidence, the clinical significance of this variant remains unclear.

Color Diagnostics, LLC DBA Color Health
Classification: Uncertain significance for Hereditary cancer-predisposing syndrome. Last evaluated: 2023-12-04. Review status: criteria provided, single submitter. Criteria: ACMG Guidelines, 2015. Collection method: clinical testing. Allele origin: germline.
Comment: This missense variant replaces tyrosine with cysteine at codon 1556 of the ATM protein. Computational prediction suggests that this variant may not impact protein structure and function (internally defined REVEL score threshold <= 0.5, PMID: 27666373). To our knowledge, functional studies have not been reported for this variant. This variant has not been reported in individuals affected with ATM-related disorders in the literature. This variant has been identified in 4/281782 chromosomes in the general population by the Genome Aggregation Database (gnomAD). The available evidence is insufficient to determine the role of this variant in disease conclusively. Therefore, this variant is classified as a Variant of Uncertain Significance.

Women's Health and Genetics/Laboratory Corporation of America, LabCorp
Classification: Uncertain significance. Last evaluated: 2023-11-16. Review status: criteria provided, single submitter. Criteria: LabCorp Variant Classification Summary - May 2015. Collection method: clinical testing. Allele origin: germline.
Comment: Variant summary: ATM c.4667A>G (p.Tyr1556Cys) results in a non-conservative amino acid change in the encoded protein sequence. Three of five in-silico tools predict a benign effect of the variant on protein function. The variant allele was found at a frequency of 1.2e-05 in 250398 control chromosomes. The available data on variant occurrences in the general population are insufficient to allow any conclusion about variant significance. c.4667A>G has been reported in the literature in at least one individual affected with Breast Cancer (e.g. Lu_2015). This report does not provide unequivocal conclusions about association of the variant with Breast Cancer. To our knowledge, no experimental evidence demonstrating an impact on protein function has been reported. The following publication has been ascertained in the context of this evaluation (PMID: 26689913). Eight submitters have cited clinical-significance assessments for this variant to ClinVar after 2014. All submitters classified the variant as uncertain significance. Based on the evidence outlined above, the variant was classified as uncertain significance.

KCCC/NGS Laboratory, Kuwait Cancer Control Center
Classification: Uncertain significance for Familial cancer of breast. Last evaluated: 2023-09-13. Review status: criteria provided, single submitter. Criteria: ACMG Guidelines, 2015. Collection method: clinical testing. Allele origin: germline. Inheritance: Autosomal dominant inheritance. Affected: yes. Observed: 1 heterozygote.
Comment: This sequence change replaces tyrosine with cysteine at codon 1556 of the ATM protein (p.Tyr1556Cys). The tyrosine residue is moderately conserved (PhyloP=2.8)and there is a large physicochemical difference between tyrosine and cysteine. This variant is present in population databases (rs587782037, ExAC 0.002%). This variant has not been reported in the literature in individuals with ATM-related disease. ClinVar contains an entry for this variant (Variation ID: 141825). In silico analysis supports that this missense variant has a deleterious effect on protein structure/function. Therefore, it has been classified as a Variant of Uncertain Significance.

Sema4
Classification: Uncertain significance for Hereditary cancer-predisposing syndrome. Last evaluated: 2022-02-04. Review status: criteria provided, single submitter. Criteria: Sema4 Curation Guidelines. Collection method: curation. Allele origin: germline.
Comment: To the best of our knowledge, the ATM c.4667A>G (p.Y1556C) variant has not been reported in individuals with ATM-related disease. This variant was observed in 3/128630 chromosomes in the Non-Finnish European population according to the Genome Aggregation Database (PMID: 32461654). The variant has been reported in ClinVar (Variation ID: 141825). Functional studies have not been performed, and in silico predictions of the variant's effect on protein function are inconclusive. The evidence is insufficient to meet ACMG/AMP criteria for classifying the variant as benign or pathogenic. Thus, the clinical significance of this variant is currently uncertain.

Natera, Inc.
Classification: Uncertain significance for Ataxia-telangiectasia. Last evaluated: 2020-09-26. Review status: no assertion criteria provided. Collection method: clinical testing. Allele origin: germline. Not counted in ClinVar's aggregate classification.

Counsyl
Classification: Uncertain significance for Ataxia-telangiectasia syndrome. Last evaluated: 2017-11-14. Review status: no assertion criteria provided. Collection method: clinical testing. Allele origin: unknown. Not counted in ClinVar's aggregate classification.

Literature cited by the submitters: PubMed 26689913 (cited by Women's Health and Genetics/Laboratory Corporation of America, LabCorp).